The following is an entry in ClinVar:

NM_170707.4(LMNA):c.868G>A (p.Glu290Lys)

Gene: LMNA (lamin A/C; plus strand). Cytogenetic location: 1q22.
Variant type: single nucleotide variant.
Coding change: c.868G>A on transcript NM_170707.4 (MANE Select); coding-DNA position 868, G replaced by A.
Protein change: p.Glu290Lys; replaces glutamic acid 290 with lysine.
Molecular consequence: missense variant.
Genome position (GRCh38, 1-based): chr1:156,135,244, G>A. VCF-style: chr1-156135244-G-A. GRCh37 (hg19) VCF-style: chr1-156105035-G-A.
Other names: c.532G>A, p.Glu178Lys (NM_001257374.3); c.625G>A, p.Glu209Lys (NM_001282624.2); c.868G>A, p.Glu290Lys (NM_001282625.2, NM_001282626.2, NM_005572.4 and 1 more transcripts); short protein forms E290K, E178K, E209K.
Identifiers: ClinVar variation 48090 (VCV000048090.24), dbSNP rs397517912, ClinGen allele CA018785.

ClinVar aggregate classification (germline): Conflicting classifications of pathogenicity. Review status: criteria provided, conflicting classifications (1 of 4 stars). 6 submissions from 6 submitters: Pathogenic (3); Likely pathogenic (1); Uncertain significance (2). Last evaluated 2024-07-19.

Conditions:
Myocarditis. Identifiers: MedGen C0027059, MONDO:0004496, HP:0012819.
Primary dilated cardiomyopathy (DCM). Also called: Dilated Cardiomyopathy. Identifiers: Orphanet 217604, MedGen C0007193, MeSH D002311, MONDO:0005021, HP:0001644. Inheritance: Various modes of inheritance.
LMNA-related disorder. Also called: LMNA-related disorders; LMNA-related condition; LMNA-related disease. Identifiers: MedGen CN380145.
Charcot-Marie-Tooth disease type 2. Also called: Charcot-Marie-Tooth type 2. Identifiers: Orphanet 64746, MedGen C0270914, MONDO:0018993.

Allele frequency attached by ClinVar (database versions not stated): TOPMed below 0.00001.

Submissions (6):

Labcorp Genetics (formerly Invitae), Labcorp
Classification: Pathogenic for Charcot-Marie-Tooth disease type 2. Last evaluated: 2024-07-19. Review status: criteria provided, single submitter. Criteria: Invitae Variant Classification Sherloc (09022015). Collection method: clinical testing. Allele origin: germline.
Comment: This sequence change replaces glutamic acid, which is acidic and polar, with lysine, which is basic and polar, at codon 290 of the LMNA protein (p.Glu290Lys). This variant is not present in population databases (gnomAD no frequency). This missense change has been observed in individual(s) with dilated cardiomyopathy or conduction disease (PMID: 24503780, 27111165, 29095976, 29367541; Invitae). In at least one individual the variant was observed to be de novo. ClinVar contains an entry for this variant (Variation ID: 48090). Advanced modeling of protein sequence and biophysical properties (such as structural, functional, and spatial information, amino acid conservation, physicochemical variation, residue mobility, and thermodynamic stability) performed at Invitae indicates that this missense variant is expected to disrupt LMNA protein function with a positive predictive value of 95%. For these reasons, this variant has been classified as Pathogenic.

Blueprint Genetics
Classification: Pathogenic for LMNA-related disorders. Last evaluated: 2023-05-25. Review status: criteria provided, single submitter. Criteria: ACMG Guidelines, 2015. Collection method: clinical testing. Allele origin: germline. Affected: yes. Observed: 3 variant alleles.

GeneDx
Classification: Pathogenic. Last evaluated: 2022-02-16. Review status: criteria provided, single submitter. Criteria: GeneDx Variant Classification Process June 2021. Collection method: clinical testing. Allele origin: germline. Affected: yes.
Comment: Reported multiple times in association with DCM and LMNA-related disorders (Pugh et al., 2014; Finsterer et al., 2016; Long et al., 2017; Walsh et al., 2017; Hasselberg et al., 2018); Not observed at significant frequency in large population cohorts (gnomAD); In silico analysis supports that this missense variant has a deleterious effect on protein structure/function; This variant is associated with the following publications: (PMID: 27532257, 29095976, 24503780, 29367541, 27111165, 10939567)

Eurofins Ntd Llc (ga)
Classification: Uncertain significance. Last evaluated: 2017-06-30. Review status: criteria provided, single submitter. Criteria: EGL Classification Definitions 2015. Collection method: clinical testing. Allele origin: germline. Observed: 1 variant allele, 1 heterozygote.

Laboratory for Molecular Medicine, Mass General Brigham Personalized Medicine
Classification: Uncertain significance. Last evaluated: 2012-07-30. Review status: criteria provided, single submitter. Criteria: LMM Criteria. Collection method: clinical testing. Allele origin: germline. Observed: 1 variant allele.
Comment: Variant classified as Uncertain Significance - Favor Pathogenic. The Glu290Lys v ariant in LMNA has not been reported in the literature and has not been identifi ed in large and broad populations by the NHLBI Exome Sequencing Project. This low frequency is consistent with a disease caus ing role but insufficient to establish this with confidence. Computational analy ses (biochemical amino acid properties, conservation, AlignGVGD, PolyPhen2, and SIFT) suggest that the Glu290Lys variant may impact the protein, though this inf ormation is not predictive enough to determine pathogenicity. Although this data supports that the Glu290Lys variant may be pathogenic, additional studies are n eeded to fully assess its clinical significance.

Klaassen Lab, Charite University Medicine Berlin
Classification: Likely pathogenic for Myocarditis; Primary dilated cardiomyopathy. Review status: criteria provided, single submitter. Criteria: ACMG Guidelines, 2015. Collection method: research. Allele origin: germline. Affected: yes.

Literature cited by the submitters: PubMed 24503780 (cited by Labcorp Genetics (formerly Invitae), Labcorp); PubMed 27111165 (cited by Labcorp Genetics (formerly Invitae), Labcorp); PubMed 29095976 (cited by Labcorp Genetics (formerly Invitae), Labcorp); PubMed 29367541 (cited by Labcorp Genetics (formerly Invitae), Labcorp); PubMed 34213952 (cited by Klaassen Lab, Charite University Medicine Berlin).